The following is an entry in ClinVar:

NM_000334.4(SCN4A):c.67G>A (p.Glu23Lys)

Gene: SCN4A (sodium voltage-gated channel alpha subunit 4; minus strand). Cytogenetic location: 17q23.3.
Variant type: single nucleotide variant.
Coding change: c.67G>A on transcript NM_000334.4 (MANE Select); coding-DNA position 67, G replaced by A.
Protein change: p.Glu23Lys; replaces glutamic acid 23 with lysine.
Molecular consequence: missense variant.
Genome position (GRCh38, 1-based): chr17:63,972,775, C>T on the plus strand (G>A on the coding strand, the complement: SCN4A is on the minus strand). VCF-style: chr17-63972775-C-T. GRCh37 (hg19) VCF-style: chr17-62050135-C-T.
Other names: short protein forms E23K.
Identifiers: ClinVar variation 1471883 (VCV001471883.13), dbSNP rs756692670, ClinGen allele CA8710294.
Genomic context (GRCh38, chr17:63,972,775, plus strand): 5'-TATTCCGCTGCAGCCGGGCCTCCTCCTCCACCGCCCGCTGTTCTATGGCTGCCAGTGACT[C>T]CCGGGTGAAGGGGCGCAAGCACTCAGGGCCCAGAGGCACCAGGGTGCACAGAGATGGTCT-3'
Protein context (NP_000325.4, residues 13-33): GPECLRPFTR[Glu23Lys]SLAAIEQRAV

ClinVar aggregate classification (germline): Uncertain significance (1 of 4 stars; one submission).

Conditions:
Hyperkalemic periodic paralysis. Also called: Familial hyperkalemic periodic paralysis; Gamstorp disease. Identifiers: Orphanet 682, MedGen C0238357, MONDO:0008224, OMIM 170500, HP:0007215.

Allele frequency attached by ClinVar (database versions not stated): gnomAD 0.00001; TOPMed 0.00001; ExAC 0.00002; gnomAD exomes 0.00002 and 0.00003.
gnomAD v4.1: 13 of 1,613,654 alleles (0.00081%); highest among the groups gnomAD compares: Admixed American, 0.02%; no homozygotes.

Submission:

Labcorp Genetics (formerly Invitae), Labcorp
Classification: Uncertain significance for Hyperkalemic periodic paralysis. Last evaluated: 2023-08-24. Review status: criteria provided, single submitter. Criteria: Invitae Variant Classification Sherloc (09022015). Collection method: clinical testing. Allele origin: germline.
Comment: Advanced modeling of protein sequence and biophysical properties (such as structural, functional, and spatial information, amino acid conservation, physicochemical variation, residue mobility, and thermodynamic stability) has been performed at Invitae for this missense variant, however the output from this modeling did not meet the statistical confidence thresholds required to predict the impact of this variant on SCN4A protein function. In summary, the available evidence is currently insufficient to determine the role of this variant in disease. Therefore, it has been classified as a Variant of Uncertain Significance. This variant has not been reported in the literature in individuals affected with SCN4A-related conditions. This variant is present in population databases (rs756692670, gnomAD 0.02%). This sequence change replaces glutamic acid, which is acidic and polar, with lysine, which is basic and polar, at codon 23 of the SCN4A protein (p.Glu23Lys). ClinVar contains an entry for this variant (Variation ID: 1471883).